The following is an entry in ClinVar:

NM_000051.4(ATM):c.4112A>G (p.Asp1371Gly)

Gene: ATM (ATM serine/threonine kinase; plus strand). Cytogenetic location: 11q22.3.
Variant type: single nucleotide variant.
Coding change: c.4112A>G on transcript NM_000051.4 (MANE Select); coding-DNA position 4112, A replaced by G.
Protein change: p.Asp1371Gly; replaces aspartic acid 1371 with glycine.
Molecular consequence: missense variant.
Genome position (GRCh38, 1-based): chr11:108,288,979, A>G. VCF-style: chr11-108288979-A-G. GRCh37 (hg19) VCF-style: chr11-108159706-A-G.
Other names: c.4112A>G, p.Asp1371Gly (NM_001351834.2); short protein forms D1371G.
Identifiers: ClinVar variation 2145412 (VCV002145412.4), dbSNP rs2135750370, ClinGen allele CA382529721.
Genomic context (GRCh38, chr11:108,288,979, plus strand): 5'-GGTCTATGAACAAAACTTTTTAAAACGATGACTGTATTTTTTCCCTTAACTCTGTTAGGG[A>G]TTTGGATCCTGCTCCTAATCCACCTCATTTTCCATCGCATGTGATTAAAGCAACATTTGC-3'
Protein context (NP_000042.3, residues 1361-1381): QSTDLCDFSG[Asp1371Gly]LDPAPNPPHF

ClinVar aggregate classification (germline): Uncertain significance (1 of 4 stars; one submission).

Conditions:
Ataxia-telangiectasia syndrome (AT). Also called: Cerebello-oculocutaneous telangiectasia; Immunodeficiency with ataxia telangiectasia; LOUIS-BAR SYNDROME; ATAXIA-TELANGIECTASIA, FRESNO VARIANT; Ataxia-telangiectasia, complementation group D; AT, COMPLEMENTATION GROUP C. Identifiers: Orphanet 100, MedGen C0004135, MONDO:0008840, OMIM 208900.

Submission:

Labcorp Genetics (formerly Invitae), Labcorp
Classification: Uncertain significance for Ataxia-telangiectasia syndrome. Last evaluated: 2022-04-01. Review status: criteria provided, single submitter. Criteria: Invitae Variant Classification Sherloc (09022015). Collection method: clinical testing. Allele origin: germline.
Comment: This variant has not been reported in the literature in individuals affected with ATM-related conditions. In summary, the available evidence is currently insufficient to determine the role of this variant in disease. Therefore, it has been classified as a Variant of Uncertain Significance. Algorithms developed to predict the effect of missense changes on protein structure and function (SIFT, PolyPhen-2, Align-GVGD) all suggest that this variant is likely to be tolerated. This variant is not present in population databases (gnomAD no frequency). This sequence change replaces aspartic acid, which is acidic and polar, with glycine, which is neutral and non-polar, at codon 1371 of the ATM protein (p.Asp1371Gly).